The following is an entry in ClinVar:

NM_003000.3(SDHB):c.16_18delinsACA (p.Ala6Thr)

Gene: SDHB (succinate dehydrogenase complex iron sulfur subunit B; minus strand). Cytogenetic location: 1p36.13.
Variant type: Indel.
Coding change: c.16_18delinsACA on transcript NM_003000.3 (MANE Select); coding-DNA positions 16 to 18, GCC replaced by ACA.
Protein change: p.Ala6Thr; replaces alanine 6 with threonine.
Molecular consequence: missense variant.
Genome position (GRCh38, 1-based): chr1:17,054,002-17,054,004, GGC replaced by TGT on the plus strand (GCC replaced by ACA on the coding strand, the reverse complement: SDHB is on the minus strand). VCF-style: chr1-17054002-GGC-TGT. GRCh37 (hg19) VCF-style: chr1-17380497-GGC-TGT.
Other names: c.16_18delinsACA, p.Ala6Thr (NM_001407361.1); short protein forms A6T.
Identifiers: ClinVar variation 2625096 (VCV002625096.2), dbSNP rs1570963601, ClinGen allele CA2582341895.

ClinVar aggregate classification (germline): Uncertain significance (1 of 4 stars; one submission).

Conditions:
Hereditary cancer-predisposing syndrome. Also called: Tumor predisposition; Hereditary Cancer Syndrome; Hereditary neoplastic syndrome; Neoplastic Syndromes, Hereditary. Identifiers: Orphanet 140162, MedGen C0027672, MeSH D009386, MONDO:0015356.

Submission:

Ambry Genetics
Classification: Uncertain significance for Hereditary cancer-predisposing syndrome. Last evaluated: 2023-09-14. Review status: criteria provided, single submitter. Criteria: Ambry Variant Classification Scheme 2023. Collection method: clinical testing. Allele origin: germline.
Comment: The c.16_18delGCCinsACA variant (also known as p.A6T), located in coding exon 1 of the SDHB gene, results from an in-frame deletion of GCC and insertion of ACA at nucleotide positions 16 to 18. This results in the substitution of the alanine residue for a threonine residue at codon 6, an amino acid with similar properties. This amino acid position is not well conserved in available vertebrate species. In addition, this alteration is predicted to be neutral by in silico analysis (Choi Y et al. PLoS ONE. 2012; 7(10):e46688). Since supporting evidence is limited at this time, the clinical significance of this alteration remains unclear.